The following is an entry in ClinVar:

ClinVar aggregate classification (germline): Uncertain significance (1 of 4 stars; one submission).

Conditions:
Vertebral, cardiac, tracheoesophageal, renal, and limb defects. Also called: VCTERL SYNDROME. Identifiers: MedGen C5543189, MONDO:0030987, OMIM 619227.

gnomAD v4.1: 2 of 1,613,124 alleles (0.00012%); highest among the groups gnomAD compares: Non-Finnish European, 0.00017%; no homozygotes.

Submission:

Institute of Immunology and Genetics Kaiserslautern
Classification: Uncertain significance for Vertebral, cardiac, tracheoesophageal, renal, and limb defects. Last evaluated: 2026-01-02. Review status: criteria provided, single submitter. Criteria: ACMG Guidelines, 2015. Collection method: clinical testing. Allele origin: de novo. Affected: yes.
Comment: ACMG Criteria: PS2, PM2_P; Variant was found in a heterozygous state. De novo-status was confirmed via in-house segregation analysis.

NM_016312.3(WBP11):c.110G>A (p.Arg37His)

Gene: WBP11 (WW domain binding protein 11; minus strand). Cytogenetic location: 12p12.3.
Variant type: single nucleotide variant.
Coding change: c.110G>A on transcript NM_016312.3 (MANE Select); coding-DNA position 110, G replaced by A.
Protein change: p.Arg37His; replaces arginine 37 with histidine.
Molecular consequence: missense variant.
Genome position (GRCh38, 1-based): chr12:14,799,715, C>T on the plus strand (G>A on the coding strand, the complement: WBP11 is on the minus strand). VCF-style: chr12-14799715-C-T. GRCh37 (hg19) VCF-style: chr12-14952649-C-T.
Other names: short protein forms R37H.
Identifiers: ClinVar variation 4851452 (VCV004851452.1).
Genomic context (GRCh38, chr12:14,799,715, plus strand): 5'-ATGTCTCGGATTATCTGTTTTGGATCCTTCATCTTTAAAACTGCAGCTCGAACCATCATG[C>T]GCTGTTTTTTGTTCTTAGAAAAATAAAAGGGCAGATGTCAAGAAGTCAGGCACTCAGGAG-3'
Protein context (NP_057396.1, residues 27-47): KRELKKNKKQ[Arg37His]MMVRAAVLKM